The following is an entry in ClinVar:

NM_005055.5(RAPSN):c.637_639delinsT (p.Ala213fs)

Gene: RAPSN (receptor associated protein of the synapse; minus strand). Cytogenetic location: 11p11.2.
Variant type: Indel.
Coding change: c.637_639delinsT on transcript NM_005055.5 (MANE Select); coding-DNA positions 637 to 639, GCC replaced by T.
Protein change: p.Ala213fs; shifts the reading frame from alanine 213.
Molecular consequence: frameshift variant. On other transcripts: intron variant (4).
Genome position (GRCh38, 1-based): chr11:47,442,707-47,442,709, GGC replaced by A on the plus strand (GCC replaced by T on the coding strand, the reverse complement: RAPSN is on the minus strand). VCF-style: chr11-47442707-GGC-A. GRCh37 (hg19) VCF-style: chr11-47464259-GGC-A.
Other names: c.637_639delinsT, p.Ala213fs (NM_001440490.1, NM_001440491.1, NM_001440492.1 and 8 more transcripts); c.298_300delinsT, p.Ala100fs (NM_001440504.1); c.532-788_532-786delinsT (NM_001440503.1, NM_001440493.1, NM_001440502.1 and 1 more transcripts); short protein forms A100fs, A213fs.
Identifiers: ClinVar variation 5010569 (VCV005010569.1).

ClinVar aggregate classification (germline): Pathogenic (1 of 4 stars; one submission).

Conditions:
RAPSN-related disorder. Also called: RAPSN-related condition; RAPSN-related disorders. Identifiers: MedGen CN239397.

Submission:

Myriad Genetics, Inc.
Classification: Pathogenic for RAPSN-related disorder. Last evaluated: 2024-05-14. Review status: criteria provided, single submitter. Criteria: Myriad Autosomal Dominant, Autosomal Recessive and X-Linked Classification Criteria (2023). Collection method: clinical testing. Allele origin: unknown.
Comment: NM_005055.4(RAPSN):c.637_639delGCCinsT(A213Cfs*17) is expected to be pathogenic in the context of RAPSN-related disorders. This variant is predicted to lead to an abnormal or absent protein product due to the creation of a premature termination codon in RAPSN, a gene where loss-of-function variants are known to be pathogenic. Please note: this variant was assessed in the context of healthy population screening.